The following is an entry in ClinVar:

ClinVar aggregate classification (germline): Conflicting classifications of pathogenicity. Review status: criteria provided, conflicting classifications (1 of 4 stars). 2 submissions from 2 submitters: Uncertain significance (1); Benign (1). Last evaluated 2024-05-30.

Allele frequency attached by ClinVar (database versions not stated): gnomAD 0.00007; TOPMed 0.00010; 1000 Genomes Project 30x 0.00031; 1000 Genomes Project 0.00060.

Submissions (2):

GeneDx
Classification: Uncertain significance. Last evaluated: 2024-05-30. Review status: criteria provided, single submitter. Criteria: GeneDx Variant Classification Process June 2021. Collection method: clinical testing. Allele origin: germline. Affected: yes.
Comment: In silico analysis indicates that this missense variant does not alter protein structure/function; Has not been previously published as pathogenic or benign to our knowledge

Labcorp Genetics (formerly Invitae), Labcorp
Classification: Benign. Last evaluated: 2022-07-12. Review status: criteria provided, single submitter. Criteria: Invitae Variant Classification Sherloc (09022015). Collection method: clinical testing. Allele origin: germline.

NM_014516.4(CNOT3):c.1201G>A (p.Gly401Ser)

Gene: CNOT3 (CCR4-NOT transcription complex subunit 3; plus strand). Cytogenetic location: 19q13.42.
Variant type: single nucleotide variant.
Coding change: c.1201G>A on transcript NM_014516.4 (MANE Select); coding-DNA position 1201, G replaced by A.
Protein change: p.Gly401Ser; replaces glycine 401 with serine.
Molecular consequence: missense variant.
Genome position (GRCh38, 1-based): chr19:54,148,454, G>A. VCF-style: chr19-54148454-G-A. GRCh37 (hg19) VCF-style: chr19-54652189-G-A.
Other names: c.1201G>A (NM_014516.3); short protein forms G401S.
Identifiers: ClinVar variation 1975140 (VCV001975140.6), dbSNP rs587707561, ClinGen allele CA407764864.